The following is an entry in ClinVar:

ClinVar aggregate classification (germline): Pathogenic (1 of 4 stars; one submission).

Conditions:
Cohen syndrome (COH1). Also called: PEPPER SYNDROME; Cutis verticis gyrata, retinitis pigmentosa, and sensorineural deafness. Identifiers: Orphanet 193, MedGen C0265223, MONDO:0008999, OMIM 216550.

Submission:

Labcorp Genetics (formerly Invitae), Labcorp
Classification: Pathogenic for Cohen syndrome. Last evaluated: 2019-06-24. Review status: criteria provided, single submitter. Criteria: Invitae Variant Classification Sherloc (09022015). Collection method: clinical testing. Allele origin: germline.
Comment: This sequence change creates a premature translational stop signal (p.Ala535Valfs*45) in the VPS13B gene. It is expected to result in an absent or disrupted protein product. This variant is not present in population databases (ExAC no frequency). This variant has not been reported in the literature in individuals with VPS13B-related conditions. Loss-of-function variants in VPS13B are known to be pathogenic (PMID: 15141358, 16648375, 20461111). For these reasons, this variant has been classified as Pathogenic.

Literature cited by the submitters: PubMed 15141358; PubMed 16648375; PubMed 20461111.

NM_152564.5(VPS13B):c.1604del (p.Ala535fs)

Gene: VPS13B (vacuolar protein sorting 13 homolog B; plus strand). Cytogenetic location: 8q22.2.
Variant type: Deletion.
Coding change: c.1604del on transcript NM_152564.5 (MANE Select); coding-DNA position 1604, one base deleted (C; older notation c.1604delC).
Protein change: p.Ala535fs; shifts the reading frame from alanine 535.
Molecular consequence: frameshift variant.
Genome position (GRCh38, 1-based): chr8:99,136,705, C deleted. VCF-style (leftmost placement, unchanged base first): chr8-99136704-GC-G. GRCh37 (hg19) VCF-style: chr8-100148932-GC-G.
Other names: c.1604del, p.Ala535fs (NM_015243.3, NM_017890.5); short protein forms A535fs.
Identifiers: ClinVar variation 952123 (VCV000952123.7), dbSNP rs1810088202, ClinGen allele CA1139660683.